The following is an entry in ClinVar:

NM_144573.4(NEXN):c.310G>A (p.Gly104Ser)

Genes: NEXN (nexilin F-actin binding protein; plus strand), LOC126805765 (BRD4-independent group 4 enhancer GRCh37_chr1:78383688-78384887; plus strand). Cytogenetic location: 1p31.1.
Variant type: single nucleotide variant.
Coding change: c.310G>A on transcript NM_144573.4 (MANE Select); coding-DNA position 310, G replaced by A.
Protein change: p.Gly104Ser; replaces glycine 104 with serine.
Molecular consequence: missense variant.
Genome position (GRCh38, 1-based): chr1:77,918,136, G>A. VCF-style: chr1-77918136-G-A. GRCh37 (hg19) VCF-style: chr1-78383821-G-A.
Other names: c.118G>A, p.Gly40Ser (NM_001172309.2); short protein forms G104S, G40S.
Identifiers: ClinVar variation 4826203 (VCV004826203.1).

ClinVar aggregate classification (germline): Uncertain significance (1 of 4 stars; one submission).

Conditions:
Cardiovascular phenotype. Identifiers: MedGen CN230736.

gnomAD v4.1: 2 of 1,613,754 alleles (0.00012%); highest among the groups gnomAD compares: Non-Finnish European, 0.00017%; no homozygotes.

Submission:

Ambry Genetics
Classification: Uncertain significance for Cardiovascular phenotype. Last evaluated: 2026-02-24. Review status: criteria provided, single submitter. Criteria: Ambry Variant Classification Scheme 2023. Collection method: clinical testing. Allele origin: germline.
Comment: The p.G104S variant (also known as c.310G>A), located in coding exon 4 of the NEXN gene, results from a G to A substitution at nucleotide position 310. The glycine at codon 104 is replaced by serine, an amino acid with similar properties. This amino acid position is conserved. In addition, the in silico prediction for this alteration is inconclusive. Based on the available evidence, the clinical significance of this variant remains unclear.